The following is an entry in ClinVar:

NM_006947.4(SRP72):c.622C>A (p.Arg208Ser)

Gene: SRP72 (signal recognition particle 72; plus strand). Cytogenetic location: 4q12.
Variant type: single nucleotide variant.
Coding change: c.622C>A on transcript NM_006947.4 (MANE Select); coding-DNA position 622, C replaced by A.
Protein change: p.Arg208Ser; replaces arginine 208 with serine.
Molecular consequence: missense variant. On other transcripts: non-coding transcript variant (1).
Genome position (GRCh38, 1-based): chr4:56,476,682, C>A. VCF-style: chr4-56476682-C-A. GRCh37 (hg19) VCF-style: chr4-57342848-C-A.
Other names: c.622C>A, p.Arg208Ser (NM_001267722.2); short protein forms R208S.
Identifiers: ClinVar variation 3449418 (VCV003449418.1).

ClinVar aggregate classification (germline): Uncertain significance (1 of 4 stars; one submission).

Submission:

Ambry Genetics
Classification: Uncertain significance. Last evaluated: 2024-11-28. Review status: criteria provided, single submitter. Criteria: Ambry Variant Classification Scheme 2023. Collection method: clinical testing. Allele origin: germline.
Comment: The p.R208S variant (also known as c.622C>A), located in coding exon 6 of the SRP72 gene, results from a C to A substitution at nucleotide position 622. The arginine at codon 208 is replaced by serine, an amino acid with dissimilar properties. This amino acid position is conserved. In addition, the in silico prediction for this alteration is inconclusive. Based on the available evidence, the clinical significance of this variant remains unclear.